The following is an entry in ClinVar:

ClinVar aggregate classification (germline): Uncertain significance. Review status: criteria provided, multiple submitters, no conflicts (2 of 4 stars). 3 submissions from 3 submitters: Uncertain significance (3). Last evaluated 2023-04-11.

Conditions:
Inborn genetic diseases. Identifiers: MedGen C0950123, MeSH D030342.
Intellectual developmental disorder, autosomal dominant 52. Also called: Intellectual disability, autosomal dominant 52; Mental retardation, autosomal dominant 52. Identifiers: MedGen C4540478, MONDO:0030918, OMIM 617796.

Allele frequency attached by ClinVar (database versions not stated): TOPMed below 0.00001.

Submissions (3):

Genome-Nilou Lab
Classification: Uncertain significance for Intellectual developmental disorder, autosomal dominant 52. Last evaluated: 2023-04-11. Review status: criteria provided, single submitter. Criteria: ACMG Guidelines, 2015. Collection method: clinical testing. Allele origin: germline. Affected: no.

GeneDx
Classification: Uncertain significance. Last evaluated: 2022-10-13. Review status: criteria provided, single submitter. Criteria: GeneDx Variant Classification Process June 2021. Collection method: clinical testing. Allele origin: germline. Affected: yes.
Comment: Not observed at significant frequency in large population cohorts (gnomAD); In silico analysis supports that this missense variant does not alter protein structure/function; Has not been previously published as pathogenic or benign to our knowledge

Ambry Genetics
Classification: Uncertain significance for Inborn genetic diseases. Last evaluated: 2021-11-09. Review status: criteria provided, single submitter. Criteria: Ambry Variant Classification Scheme 2023. Collection method: clinical testing. Allele origin: germline.

NM_018489.3(ASH1L):c.5291G>A (p.Ser1764Asn)

Gene: ASH1L (ASH1 like histone lysine methyltransferase; minus strand). Cytogenetic location: 1q22.
Variant type: single nucleotide variant.
Coding change: c.5291G>A on transcript NM_018489.3 (MANE Select); coding-DNA position 5291, G replaced by A.
Protein change: p.Ser1764Asn; replaces serine 1764 with asparagine.
Molecular consequence: missense variant.
Genome position (GRCh38, 1-based): chr1:155,438,864, C>T on the plus strand (G>A on the coding strand, the complement: ASH1L is on the minus strand). VCF-style: chr1-155438864-C-T. GRCh37 (hg19) VCF-style: chr1-155408655-C-T.
Other names: c.5291G>A, p.Ser1764Asn (NM_001366177.2); short protein forms S1764N.
Identifiers: ClinVar variation 2259909 (VCV002259909.4), dbSNP rs1662317312, ClinGen allele CA342691788.